The following is an entry in ClinVar:

NM_000153.4(GALC):c.*709A>C

Gene: GALC (galactosylceramidase; minus strand). Cytogenetic location: 14q31.3.
Variant type: single nucleotide variant.
Coding change: c.*709A>C on transcript NM_000153.4 (MANE Select); 709 bases downstream of the stop codon, A replaced by C.
Molecular consequence: 3 prime UTR variant.
Genome position (GRCh38, 1-based): chr14:87,934,023, T>G on the plus strand (A>C on the coding strand, the complement: GALC is on the minus strand). VCF-style: chr14-87934023-T-G. GRCh37 (hg19) VCF-style: chr14-88400367-T-G.
Other names: c.*709A>C (NM_001201401.2, NM_001201402.2).
Identifiers: ClinVar variation 314737 (VCV000314737.6), dbSNP rs45572135, ClinGen allele CA7296810.
Genomic context (GRCh38, chr14:87,934,023, plus strand): 5'-ATTGGCTATATCAGGTTTTCTTCCTTCTTCCAGCCACCTGGAAAAACGTTCACAGAGAGT[T>G]ATAGTGGTTACAAGACCAAAACTTGGAATCAAAAAAATTAAATAATGCAAATAACCCAAT-3'

ClinVar aggregate classification (germline): Benign. Review status: criteria provided, multiple submitters, no conflicts (2 of 4 stars). 2 submissions from 2 submitters: Benign (2). Last evaluated 2018-01-12.

Conditions:
Galactosylceramide beta-galactosidase deficiency. Also called: GALACTOCEREBROSIDASE DEFICIENCY; GALC DEFICIENCY; GLOBOID CELL LEUKOENCEPHALOPATHY; Leukodystrophy, Globoid Cell; Krabbe Disease. Identifiers: Orphanet 487, MedGen C0023521, MONDO:0009499, OMIM 245200.

Allele frequency attached by ClinVar (database versions not stated): 1000 Genomes Project 0.02576; 1000 Genomes Project 30x 0.02748; gnomAD 0.05152 and 0.05219; TOPMed 0.05305; gnomAD exomes 0.05711 and 0.07552; ExAC 0.05969.
gnomAD v4.1: 111,871 of 1,534,004 alleles (7.3%); highest among the groups gnomAD compares: Non-Finnish European, 8.4%; 4,644 homozygotes.

Submissions (2):

Illumina Laboratory Services, Illumina
Classification: Benign for Galactosylceramide beta-galactosidase deficiency. Last evaluated: 2018-01-12. Review status: criteria provided, single submitter. Criteria: ICSL Variant Classification Criteria 13 December 2019. Collection method: clinical testing. Allele origin: germline.
Comment: This variant was observed in the ICSL laboratory as part of a predisposition screen in an ostensibly healthy population. It had not been previously curated by ICSL or reported in the Human Gene Mutation Database (HGMD: prior to June 1st, 2018), and was therefore a candidate for classification through an automated scoring system. Utilizing variant allele frequency, disease prevalence and penetrance estimates, and inheritance mode, an automated score was calculated to assess if this variant is too frequent to cause the disease. Based on the score and internal cut-off values, a variant classified as benign is not then subjected to further curation. The score for this variant resulted in a classification of benign for this disease.

Breakthrough Genomics
Classification: Benign. Review status: criteria provided, single submitter. Criteria: ACMG Guidelines, 2015. Collection method: not provided. Allele origin: germline. Inheritance: Autosomal recessive inheritance. Affected: yes.